The following is an entry in ClinVar:

NM_017777.4(MKS1):c.796G>A (p.Asp266Asn)

Gene: MKS1 (MKS transition zone complex subunit 1; minus strand). Cytogenetic location: 17q22.
Variant type: single nucleotide variant.
Coding change: c.796G>A on transcript NM_017777.4 (MANE Select); coding-DNA position 796, G replaced by A.
Protein change: p.Asp266Asn; replaces aspartic acid 266 with asparagine.
Molecular consequence: missense variant.
Genome position (GRCh38, 1-based): chr17:58,213,044, C>T on the plus strand (G>A on the coding strand, the complement: MKS1 is on the minus strand). VCF-style: chr17-58213044-C-T. GRCh37 (hg19) VCF-style: chr17-56290405-C-T.
Other names: c.187G>A, p.Asp63Asn (NM_001321268.2); c.796G>A, p.Asp266Asn (NM_001321269.2, NM_001330397.2, NM_001411113.1); short protein forms D63N, D266N.
Identifiers: ClinVar variation 2174032 (VCV002174032.1), dbSNP rs764943455, ClinGen allele CA8669408.

ClinVar aggregate classification (germline): Uncertain significance (1 of 4 stars; one submission).

Conditions:
Joubert syndrome. Also called: CEREBELLOPARENCHYMAL DISORDER IV; JOUBERT-BOLTSHAUSER SYNDROME; Familial aplasia of the vermis. Identifiers: Orphanet 475, MedGen C5979921, MONDO:0018772.
Meckel-Gruber syndrome. Also called: DYSENCEPHALIA SPLANCHNOCYSTICA; GRUBER SYNDROME; Dysencephalia splachnocystica. Identifiers: Orphanet 564, MedGen C0265215, MONDO:0018921.

Allele frequency attached by ClinVar (database versions not stated): TOPMed below 0.00001; ExAC 0.00001; gnomAD exomes 0.00001.
gnomAD v4.1: 14 of 1,614,138 alleles (0.00087%); highest among the groups gnomAD compares: Non-Finnish European, 0.0012%; no homozygotes.

Submission:

Labcorp Genetics (formerly Invitae), Labcorp
Classification: Uncertain significance for Joubert syndrome; Meckel-Gruber syndrome. Last evaluated: 2021-12-24. Review status: criteria provided, single submitter. Criteria: Invitae Variant Classification Sherloc (09022015). Collection method: clinical testing. Allele origin: germline.
Comment: This sequence change replaces aspartic acid, which is acidic and polar, with asparagine, which is neutral and polar, at codon 266 of the MKS1 protein (p.Asp266Asn). This variant is present in population databases (rs764943455, gnomAD 0.0009%). This variant has not been reported in the literature in individuals affected with MKS1-related conditions. Advanced modeling of protein sequence and biophysical properties (such as structural, functional, and spatial information, amino acid conservation, physicochemical variation, residue mobility, and thermodynamic stability) performed at Invitae indicates that this missense variant is not expected to disrupt MKS1 protein function. In summary, the available evidence is currently insufficient to determine the role of this variant in disease. Therefore, it has been classified as a Variant of Uncertain Significance.